The following is an entry in ClinVar:

NM_017654.4(SAMD9):c.4238A>T (p.Asp1413Val)

Gene: SAMD9 (sterile alpha motif domain containing 9; minus strand). Cytogenetic location: 7q21.2.
Variant type: single nucleotide variant.
Coding change: c.4238A>T on transcript NM_017654.4 (MANE Select); coding-DNA position 4238, A replaced by T.
Protein change: p.Asp1413Val; replaces aspartic acid 1413 with valine.
Molecular consequence: missense variant.
Genome position (GRCh38, 1-based): chr7:93,101,860, T>A on the plus strand (A>T on the coding strand, the complement: SAMD9 is on the minus strand). VCF-style: chr7-93101860-T-A. GRCh37 (hg19) VCF-style: chr7-92731173-T-A.
Other names: c.4238A>T, p.Asp1413Val (NM_001193307.2); short protein forms D1413V.
Identifiers: ClinVar variation 4824675 (VCV004824675.1).

ClinVar aggregate classification (germline): Uncertain significance (1 of 4 stars; one submission).

Conditions:
Inborn genetic diseases. Identifiers: MedGen C0950123, MeSH D030342.

Submission:

Ambry Genetics
Classification: Uncertain significance for Inborn genetic diseases. Last evaluated: 2026-01-18. Review status: criteria provided, single submitter. Criteria: Ambry Variant Classification Scheme 2023. Collection method: clinical testing. Allele origin: germline.
Comment: The p.D1413V variant (also known as c.4238A>T), located in coding exon 1 of the SAMD9 gene, results from an A to T substitution at nucleotide position 4238. The aspartic acid at codon 1413 is replaced by valine, an amino acid with highly dissimilar properties. This amino acid position is conserved. In addition, this alteration is predicted to be tolerated by in silico analysis. Based on the available evidence, the clinical significance of this variant remains unclear.